The following is an entry in ClinVar:

ClinVar aggregate classification (germline): Uncertain significance (1 of 4 stars; one submission).

Conditions:
Inborn genetic diseases. Identifiers: MedGen C0950123, MeSH D030342.

gnomAD v4.1: 18 of 1,211,321 alleles (0.0015%); highest among the groups gnomAD compares: Non-Finnish European, 0.002%; no homozygotes.

Submission:

Ambry Genetics
Classification: Uncertain significance for Inborn genetic diseases. Last evaluated: 2025-11-03. Review status: criteria provided, single submitter. Criteria: Ambry Variant Classification Scheme 2023. Collection method: clinical testing. Allele origin: germline.
Comment: The c.7456G>A (p.D2486N) alteration is located in exon 55 (coding exon 52) of the HUWE1 gene. This alteration results from a G to A substitution at nucleotide position 7456, causing the aspartic acid (D) at amino acid position 2486 to be replaced by an asparagine (N). Based on data from gnomAD, the A allele has an overall frequency of <0.001% (1/183389) total alleles studied. The highest observed frequency was 0.001% (1/81834) of European (non-Finnish) alleles. Based on insufficient or conflicting evidence, the clinical significance of this alteration remains unclear.

NM_031407.7(HUWE1):c.7456G>A (p.Asp2486Asn)

Genes: HUWE1 (HECT, UBA and WWE domain containing E3 ubiquitin protein ligase 1; minus strand), LOC126863262 (MED14-independent group 3 enhancer GRCh37_chrX:53588722-53589921; plus strand). Cytogenetic location: Xp11.22.
Variant type: single nucleotide variant.
Coding change: c.7456G>A on transcript NM_031407.7 (MANE Select); coding-DNA position 7456, G replaced by A.
Protein change: p.Asp2486Asn; replaces aspartic acid 2486 with asparagine.
Molecular consequence: missense variant. On other transcripts: intron variant (1).
Genome position (GRCh38, 1-based): chrX:53,561,807, C>T on the plus strand (G>A on the coding strand, the complement: HUWE1 is on the minus strand). VCF-style: chrX-53561807-C-T. GRCh37 (hg19) VCF-style: chrX-53588768-C-T.
Other names: c.7456G>A, p.Asp2486Asn (NM_001441057.1, NM_001441049.1, NM_001441054.1); c.7453G>A, p.Asp2485Asn (NM_001441058.1, NM_001441048.1, NM_001441051.1 and 2 more transcripts); c.7106-1391G>A (NM_001441052.1); c.7477G>A, p.Asp2493Asn (NM_001441050.1, NM_001441055.1); short protein forms D2485N, D2486N, D2493N.
Identifiers: ClinVar variation 4621858 (VCV004621858.1).